The following is an entry in ClinVar:

NM_000138.5(FBN1):c.6199G>T (p.Gly2067Ter)

Gene: FBN1 (fibrillin 1; minus strand). Cytogenetic location: 15q21.1.
Variant type: single nucleotide variant.
Coding change: c.6199G>T on transcript NM_000138.5 (MANE Select); coding-DNA position 6199, G replaced by T.
Protein change: p.Gly2067Ter; replaces glycine 2067 with a stop codon.
Molecular consequence: nonsense.
Genome position (GRCh38, 1-based): chr15:48,437,882, C>A on the plus strand (G>T on the coding strand, the complement: FBN1 is on the minus strand). VCF-style: chr15-48437882-C-A. GRCh37 (hg19) VCF-style: chr15-48730079-C-A.
Other names: short protein forms G2067*.
Identifiers: ClinVar variation 1409015 (VCV001409015.6), dbSNP rs1342803259, ClinGen allele CA392337185.
Genomic context (GRCh38, chr15:48,437,882, plus strand): 5'-AGGCACAGCAGCATTCCTGCTTGGAGTGATTTCTGGATTTGGGTGATGAACACTTTCCTC[C>A]TTCAAACTTCGCATAACAGTAGCTCATTCGCAAATCTGCAGCATAAATTTATGACACCCT-3'

ClinVar aggregate classification (germline): Pathogenic (1 of 4 stars; one submission).

Conditions:
Marfan syndrome (MFS). Also called: Marfan syndrome type 1; Marfan's syndrome; FBN1-Related Marfan Syndrome; MARFAN SYNDROME, TYPE I; Marfan syndrome, classic. Identifiers: Orphanet 284963, Orphanet 558, MedGen C0024796, MONDO:0007947, OMIM 154700.
Familial thoracic aortic aneurysm and aortic dissection (TAAD). Also called: Thoracic aortic aneurysms and dissections. Identifiers: Orphanet 91387, MedGen C4707243, MONDO:0019625.

Submission:

Labcorp Genetics (formerly Invitae), Labcorp
Classification: Pathogenic for Marfan syndrome; Familial thoracic aortic aneurysm and aortic dissection. Last evaluated: 2021-08-15. Review status: criteria provided, single submitter. Criteria: Invitae Variant Classification Sherloc (09022015). Collection method: clinical testing. Allele origin: germline.
Comment: For these reasons, this variant has been classified as Pathogenic. This variant has not been reported in the literature in individuals affected with FBN1-related conditions. This variant is not present in population databases (ExAC no frequency). This sequence change creates a premature translational stop signal (p.Gly2067*) in the FBN1 gene. It is expected to result in an absent or disrupted protein product. Loss-of-function variants in FBN1 are known to be pathogenic (PMID: 17657824, 19293843).

Literature cited by the submitters: PubMed 17657824; PubMed 19293843.